The following is an entry in ClinVar:

ClinVar aggregate classification (germline): Uncertain significance (1 of 4 stars; one submission).

Allele frequency attached by ClinVar (database versions not stated): ExAC 0.00001; gnomAD 0.00001; gnomAD exomes 0.00001; ESP Exome Variant Server 0.00008.
gnomAD v4.1: 10 of 1,613,650 alleles (0.00062%); highest among the groups gnomAD compares: Non-Finnish European, 0.00085%; no homozygotes.

Submission:

Labcorp Genetics (formerly Invitae), Labcorp
Classification: Uncertain significance. Last evaluated: 2024-07-31. Review status: criteria provided, single submitter. Criteria: Invitae Variant Classification Sherloc (09022015). Collection method: clinical testing. Allele origin: germline.
Comment: This sequence change replaces glutamic acid, which is acidic and polar, with glutamine, which is neutral and polar, at codon 782 of the ERBIN protein (p.Glu782Gln). This variant is present in population databases (rs139208134, gnomAD 0.007%). This variant has not been reported in the literature in individuals affected with ERBIN-related conditions. An algorithm developed to predict the effect of missense changes on protein structure and function (PolyPhen-2) suggests that this variant is likely to be tolerated. In summary, the available evidence is currently insufficient to determine the role of this variant in disease. Therefore, it has been classified as a Variant of Uncertain Significance.

NM_001253697.2(ERBIN):c.2344G>C (p.Glu782Gln)

Gene: ERBIN (erbb2 interacting protein; plus strand). Cytogenetic location: 5q12.3.
Variant type: single nucleotide variant.
Coding change: c.2344G>C on transcript NM_001253697.2 (MANE Select); coding-DNA position 2344, G replaced by C.
Protein change: p.Glu782Gln; replaces glutamic acid 782 with glutamine.
Molecular consequence: missense variant.
Genome position (GRCh38, 1-based): chr5:66,053,662, G>C. VCF-style: chr5-66053662-G-C. GRCh37 (hg19) VCF-style: chr5-65349490-G-C.
Other names: c.2344G>C, p.Glu782Gln (NM_001006600.3, NM_001253698.2, NM_001253699.2 and 1 more transcripts); c.2332G>C, p.Glu778Gln (NM_001253701.2); short protein forms E782Q, E778Q.
Identifiers: ClinVar variation 2794209 (VCV002794209.3), dbSNP rs139208134, ClinGen allele CA3286468.